The following is an entry in ClinVar:

NM_000414.4(HSD17B4):c.809A>G (p.Lys270Arg)

Gene: HSD17B4 (hydroxysteroid 17-beta dehydrogenase 4; plus strand). Cytogenetic location: 5q23.1.
Variant type: single nucleotide variant.
Coding change: c.809A>G on transcript NM_000414.4 (MANE Select); coding-DNA position 809, A replaced by G.
Protein change: p.Lys270Arg; replaces lysine 270 with arginine.
Molecular consequence: missense variant. On other transcripts: non-coding transcript variant (2).
Genome position (GRCh38, 1-based): chr5:119,493,887, A>G. VCF-style: chr5-119493887-A-G. GRCh37 (hg19) VCF-style: chr5-118829582-A-G.
Other names: p.Lys295Arg; c.884A>G, p.Lys295Arg (NM_001199291.3); c.755A>G, p.Lys252Arg (NM_001199292.2); c.737A>G, p.Lys246Arg (NM_001292027.2); c.389A>G, p.Lys130Arg (NM_001292028.2); c.800A>G, p.Lys267Arg (NM_001374497.1); c.809A>G, p.Lys270Arg (NM_001374498.1); c.482A>G, p.Lys161Arg (NM_001374499.1); and 2 more; short protein forms K246R, K267R, K295R, K130R, K133R, K252R, K123R, K161R.
Identifiers: ClinVar variation 4541061 (VCV004541061.1).

ClinVar aggregate classification (germline): Uncertain significance (1 of 4 stars; one submission).

Submission:

Mayo Clinic Laboratories, Mayo Clinic
Classification: Uncertain significance. Last evaluated: 2025-01-13. Review status: criteria provided, single submitter. Criteria: ACMG Guidelines, 2015. Collection method: clinical testing. Allele origin: germline. Observed: 1 variant allele.
Comment: BP4, PM2_supporting